The following is an entry in ClinVar:

NM_001379500.1(COL18A1):c.2772G>C (p.Arg924Ser)

Genes: COL18A1 (collagen type XVIII alpha 1 chain; plus strand), SLC19A1 (solute carrier family 19 member 1; minus strand). Cytogenetic location: 21q22.3.
Variant type: single nucleotide variant.
Coding change: c.2772G>C on transcript NM_001379500.1 (MANE Select); coding-DNA position 2772, G replaced by C.
Protein change: p.Arg924Ser; replaces arginine 924 with serine.
Molecular consequence: missense variant.
Genome position (GRCh38, 1-based): chr21:45,504,460, G>C. VCF-style: chr21-45504460-G-C. GRCh37 (hg19) VCF-style: chr21-46924374-G-C.
Other names: NM_130445.2:c.2772G>C; c.3312G>C, p.Arg1104Ser (NM_030582.4); c.4017G>C, p.Arg1339Ser (NM_130444.3); c.3312G>C (NM_030582.3); short protein forms R924S, R1104S, R1339S.
Identifiers: ClinVar variation 1367246 (VCV001367246.8), dbSNP rs556346113, ClinGen allele CA10067453.

ClinVar aggregate classification (germline): Uncertain significance. Review status: criteria provided, multiple submitters, no conflicts (2 of 4 stars). 3 submissions from 3 submitters: Uncertain significance (2). 1 of the submissions does not count toward it. Last evaluated 2025-01-06.

Conditions:
COL18A1-related disorder. Also called: COL18A1-related condition; COL18A1-related disorders.
Inborn genetic diseases. Identifiers: MedGen C0950123, MeSH D030342.

gnomAD v4.1: 21 of 1,610,546 alleles (0.0013%); highest among the groups gnomAD compares: South Asian, 0.0044%; no homozygotes.

Submissions (3):

Labcorp Genetics (formerly Invitae), Labcorp
Classification: Uncertain significance. Last evaluated: 2025-01-06. Review status: criteria provided, single submitter. Criteria: Invitae Variant Classification Sherloc (09022015). Collection method: clinical testing. Allele origin: germline.
Comment: This sequence change replaces arginine, which is basic and polar, with serine, which is neutral and polar, at codon 924 of the COL18A1 protein (p.Arg924Ser). This variant is present in population databases (rs556346113, gnomAD 0.007%). This variant has not been reported in the literature in individuals affected with COL18A1-related conditions. ClinVar contains an entry for this variant (Variation ID: 1367246). Experimental studies and prediction algorithms are not available or were not evaluated, and the functional significance of this variant is currently unknown. In summary, the available evidence is currently insufficient to determine the role of this variant in disease. Therefore, it has been classified as a Variant of Uncertain Significance.

Ambry Genetics
Classification: Uncertain significance for Inborn genetic diseases. Last evaluated: 2024-12-31. Review status: criteria provided, single submitter. Criteria: Ambry Variant Classification Scheme 2023. Collection method: clinical testing. Allele origin: germline.

PreventionGenetics, part of Exact Sciences
Classification: Uncertain significance for COL18A1-related condition. Last evaluated: 2023-11-15. Review status: no assertion criteria provided. Collection method: clinical testing. Allele origin: germline. Not counted in ClinVar's aggregate classification.
Comment: The COL18A1 c.3312G>C variant is predicted to result in the amino acid substitution p.Arg1104Ser. To our knowledge, this variant has not been reported in the literature. This variant is reported in 0.0066% of alleles in individuals of South Asian descent in gnomAD. At this time, the clinical significance of this variant is uncertain due to the absence of conclusive functional and genetic evidence.